The following is an entry in ClinVar:

NM_000718.4(CACNA1B):c.1422dup (p.Ile475fs)

Gene: CACNA1B (calcium voltage-gated channel subunit alpha1 B; plus strand). Cytogenetic location: 9q34.3.
Variant type: Duplication.
Coding change: c.1422dup on transcript NM_000718.4 (MANE Select); coding-DNA position 1422, one base duplicated (T; older notation c.1422dupT).
Protein change: p.Ile475fs; shifts the reading frame from isoleucine 475.
Molecular consequence: frameshift variant.
Genome position (GRCh38, 1-based): chr9:137,971,471, T duplicated; the last of 6 consecutive T bases (chr9:137,971,466-137,971,471); duplicating any one gives the same sequence. VCF-style (leftmost placement, unchanged base first): chr9-137971465-G-GT. GRCh37 (hg19) VCF-style: chr9-140865917-G-GT.
Other names: c.1422dup, p.Ile475fs (NM_001243812.2); short protein forms I475fs.
Identifiers: ClinVar variation 4715122 (VCV004715122.1).
Genomic context (GRCh38, chr9:137,971,465, plus strand): 5'-CCTCAAGAGCGGGAAGACAGAGAGCTCGTCATACTTCCGGAGGAAGGAGAAGATGTTCCG[G>GT]TTTTTTATCCGGCGCATGGTGAAGGCTCAGAGCTTCTACTGGGTGGTGCTGTGCGTGGTG-3'

ClinVar aggregate classification (germline): Pathogenic (1 of 4 stars; one submission).

Submission:

Labcorp Genetics (formerly Invitae), Labcorp
Classification: Pathogenic. Last evaluated: 2025-03-15. Review status: criteria provided, single submitter. Criteria: Invitae Variant Classification Sherloc (09022015). Collection method: clinical testing. Allele origin: germline.
Comment: This sequence change creates a premature translational stop signal (p.Ile475Tyrfs*86) in the CACNA1B gene. It is expected to result in an absent or disrupted protein product. Loss-of-function variants in CACNA1B are known to be pathogenic (PMID: 30982612). This variant is not present in population databases (gnomAD no frequency). This variant has not been reported in the literature in individuals affected with CACNA1B-related conditions. For these reasons, this variant has been classified as Pathogenic.

Literature cited by the submitters: PubMed 30982612.